The following is an entry in ClinVar:

NM_005220.3(DLX3):c.516+6T>C

Gene: DLX3 (distal-less homeobox 3; minus strand). Cytogenetic location: 17q21.33.
Variant type: single nucleotide variant.
Coding change: c.516+6T>C on transcript NM_005220.3 (MANE Select); 6 bases into the intron after coding-DNA position 516, T replaced by C.
Molecular consequence: intron variant.
Genome position (GRCh38, 1-based): chr17:49,993,394, A>G on the plus strand (T>C on the coding strand, the complement: DLX3 is on the minus strand). VCF-style: chr17-49993394-A-G. GRCh37 (hg19) VCF-style: chr17-48070758-A-G.
Identifiers: ClinVar variation 3702669 (VCV003702669.2).

ClinVar aggregate classification (germline): Uncertain significance (1 of 4 stars; one submission).

gnomAD v4.1: 15 of 1,598,700 alleles (0.00094%); highest among the groups gnomAD compares: South Asian, 0.014%; no homozygotes.

Submission:

Labcorp Genetics (formerly Invitae), Labcorp
Classification: Uncertain significance. Last evaluated: 2024-03-03. Review status: criteria provided, single submitter. Criteria: Invitae Variant Classification Sherloc (09022015). Collection method: clinical testing. Allele origin: germline.
Comment: This sequence change falls in intron 2 of the DLX3 gene. It does not directly change the encoded amino acid sequence of the DLX3 protein. It affects a nucleotide within the consensus splice site. This variant is present in population databases (rs770935274, gnomAD 0.03%). This variant has not been reported in the literature in individuals affected with DLX3-related conditions. Variants that disrupt the consensus splice site are a relatively common cause of aberrant splicing (PMID: 17576681, 9536098). Algorithms developed to predict the effect of sequence changes on RNA splicing suggest that this variant is not likely to affect RNA splicing. In summary, the available evidence is currently insufficient to determine the role of this variant in disease. Therefore, it has been classified as a Variant of Uncertain Significance.

Literature cited by the submitters: PubMed 17576681; PubMed 9536098.